The following is an entry in ClinVar:

NC_000001.11:g.(?_247418775)_(247453734_?)dup

Genes: NLRP3 (NLR family pyrin domain containing 3; plus strand), OR2B11 (olfactory receptor family 2 subfamily B member 11; minus strand). Cytogenetic location: 1q44.
Variant type: Duplication.
Identifiers: ClinVar variation 830398 (VCV000830398.1).

ClinVar aggregate classification (germline): Uncertain significance (1 of 4 stars; one submission).

Conditions:
Cryopyrin associated periodic syndrome (CAPS). Identifiers: Orphanet 208650, MedGen C2316212, MONDO:0016168.

Submission:

Labcorp Genetics (formerly Invitae), Labcorp
Classification: Uncertain significance for Cryopyrin associated periodic syndrome. Last evaluated: 2019-11-20. Review status: criteria provided, single submitter. Criteria: Invitae Variant Classification Sherloc (09022015). Collection method: clinical testing. Allele origin: germline.
Comment: This variant results in a copy number gain of the genomic region encompassing the full coding sequence of the NLRP3 gene. The boundaries of this event are unknown as they extend beyond the assayed region for this gene and therefore may encompass additional genes. As the precise location of this event is unknown, it may be in tandem or it may be located elsewhere in the genome. Isolated whole-gene copy number gains of NLRP3 have not been reported in the literature. However, larger copy number events that include this gene have been reported (PMID: 29611406). In summary, the available evidence is currently insufficient to determine the role of this variant in disease. Therefore, it has been classified as a Variant of Uncertain Significance.

Literature cited by the submitters: PubMed 29611406.